The following is an entry in ClinVar:

ClinVar aggregate classification (germline): Conflicting classifications of pathogenicity. Review status: criteria provided, conflicting classifications (1 of 4 stars). 3 submissions from 3 submitters: Uncertain significance (2); Likely benign (1). Last evaluated 2024-05-31.

Conditions:
Fanconi anemia (FA). Also called: Fanconi's anemia. Identifiers: Orphanet 84, MedGen C0015625, MeSH D005199, MONDO:0019391.
Fanconi anemia complementation group I (FANCI). Also called: FANCI-Related Fanconi Anemia. Identifiers: Orphanet 84, MedGen C1836861, MONDO:0012186, OMIM 609053.

Allele frequency attached by ClinVar (database versions not stated): gnomAD 0.00001; gnomAD exomes 0.00001; TOPMed 0.00001; ExAC 0.00002.
gnomAD v4.1: 11 of 1,613,914 alleles (0.00068%); highest among the groups gnomAD compares: Non-Finnish European, 0.00085%; no homozygotes.

Submissions (3):

Blueprint Genetics
Classification: Likely benign. Last evaluated: 2024-05-31. Review status: criteria provided, single submitter. Criteria: ACMG Guidelines, 2015. Collection method: clinical testing. Allele origin: germline.

Labcorp Genetics (formerly Invitae), Labcorp
Classification: Uncertain significance for Fanconi anemia. Last evaluated: 2024-02-24. Review status: criteria provided, single submitter. Criteria: Invitae Variant Classification Sherloc (09022015). Collection method: clinical testing. Allele origin: germline.
Comment: This sequence change falls in intron 7 of the FANCI gene. It does not directly change the encoded amino acid sequence of the FANCI protein. This variant is present in population databases (rs754929965, gnomAD 0.002%). This variant has not been reported in the literature in individuals affected with FANCI-related conditions. ClinVar contains an entry for this variant (Variation ID: 317263). Algorithms developed to predict the effect of sequence changes on RNA splicing suggest that this variant may create or strengthen a splice site. In summary, the available evidence is currently insufficient to determine the role of this variant in disease. Therefore, it has been classified as a Variant of Uncertain Significance.

Illumina Laboratory Services, Illumina
Classification: Uncertain significance for Fanconi anemia complementation group I. Last evaluated: 2018-01-13. Review status: criteria provided, single submitter. Criteria: ICSL Variant Classification Criteria 13 December 2019. Collection method: clinical testing. Allele origin: germline.

NM_001113378.2(FANCI):c.546-6C>T

Gene: FANCI (FA complementation group I; plus strand). Cytogenetic location: 15q26.1.
Variant type: single nucleotide variant.
Coding change: c.546-6C>T on transcript NM_001113378.2 (MANE Select); 6 bases into the intron before coding-DNA position 546, C replaced by T.
Molecular consequence: intron variant.
Genome position (GRCh38, 1-based): chr15:89,263,897, C>T. VCF-style: chr15-89263897-C-T. GRCh37 (hg19) VCF-style: chr15-89807128-C-T.
Other names: c.546-6C>T (NM_018193.3, NM_001376911.1); c.267-6C>T (NM_001376910.1).
Identifiers: ClinVar variation 317263 (VCV000317263.11), dbSNP rs754929965, ClinGen allele CA7722684.
Genomic context (GRCh38, chr15:89,263,897, plus strand): 5'-GAATTGAATTTCTGAAAACAAGGCAGTTAGACACTGTCTATAGCCTTTAGAATCTTTGAT[C>T]CACAGGGATGTCCCTCTGACTGCAGAAGAGGTGGAATTTGTGGTGGAAAAAGCATTGAGC-3'